The following is an entry in ClinVar:

NM_001267550.2(TTN):c.105180G>C (p.Glu35060Asp)

Genes: TTN (titin; minus strand), TTN-AS1 (TTN antisense RNA 1; plus strand), LOC129935185 (ATAC-STARR-seq lymphoblastoid active region 16810; plus strand). Cytogenetic location: 2q31.2.
Variant type: single nucleotide variant.
Coding change: c.105180G>C on transcript NM_001267550.2 (MANE Select); coding-DNA position 105180, G replaced by C.
Protein change: p.Glu35060Asp; replaces glutamic acid 35060 with aspartic acid.
Molecular consequence: missense variant.
Genome position (GRCh38, 1-based): chr2:178,531,435, C>G on the plus strand (G>C on the coding strand, the complement: TTN is on the minus strand). VCF-style: chr2-178531435-C-G. GRCh37 (hg19) VCF-style: chr2-179396162-C-G.
Other names: p.E33419D:GAG>GAC; c.100257G>C, p.Glu33419Asp (NM_001256850.1); c.77985G>C, p.Glu25995Asp (NM_003319.4); c.97476G>C, p.Glu32492Asp (NM_133378.4); c.78360G>C, p.Glu26120Asp (NM_133432.3); c.78561G>C, p.Glu26187Asp (NM_133437.4); short protein forms E35060D, E32492D, E33419D, E26120D, E25995D, E26187D.
Identifiers: ClinVar variation 47684 (VCV000047684.43), dbSNP rs56308529, ClinGen allele CA284306.

ClinVar aggregate classification (germline): Benign/Likely benign. Review status: criteria provided, multiple submitters, no conflicts (2 of 4 stars). 28 submissions from 21 submitters: Benign (20); Likely benign (3). 5 of the submissions do not count toward it. Last evaluated 2026-02-04.

Conditions:
Dilated cardiomyopathy 1G (CMD1G). Identifiers: Orphanet 154, MedGen C1858763, MONDO:0011400, OMIM 604145.
Autosomal recessive limb-girdle muscular dystrophy type 2J (LGMDR10). Also called: MUSCULAR DYSTROPHY, LIMB-GIRDLE, AUTOSOMAL RECESSIVE 10; Limb-girdle muscular dystrophy, type 2J. Identifiers: Orphanet 140922, MedGen C1837342, MONDO:0012127, OMIM 608807.
Cardiovascular phenotype. Identifiers: MedGen CN230736.
Early-onset myopathy with fatal cardiomyopathy (CMYO5). Also called: CONGENITAL MYOPATHY 5 WITH CARDIOMYOPATHY; Salih Myopathy. Identifiers: Orphanet 289377, MedGen C2673677, MONDO:0012714, OMIM 611705. Disease mechanism: loss of function.
Myopathy, myofibrillar, 9, with early respiratory failure (MFM9). Also called: Myopathy, distal, with early respiratory failure, autosomal dominant; Hereditary myopathy with early respiratory failure; MYOPATHY, PROXIMAL, WITH EARLY RESPIRATORY MUSCLE INVOLVEMENT; EDSTROM MYOPATHY. Identifiers: Orphanet 178464, Orphanet 34521, MedGen C1863599, MONDO:0011362, OMIM 603689.
Tibial muscular dystrophy (TMD). Also called: Udd Distal Myopathy – Tibial Muscular Dystrophy; Tibial muscular dystrophy, tardive; UDD MYOPATHY. Identifiers: Orphanet 609, MedGen C1838244, MONDO:0010870, OMIM 600334.

Allele frequency attached by ClinVar (database versions not stated): 1000 Genomes Project 30x 0.02358; gnomAD 0.03418; TOPMed 0.03615; 1000 Genomes Project 0.02296; ESP Exome Variant Server 0.03334; ExAC 0.03781.
gnomAD v4.1: 68,712 of 1,613,932 alleles (4.3%); highest among the groups gnomAD compares: Admixed American, 7.9%; 1,667 homozygotes.

Submissions (28):

Labcorp Genetics (formerly Invitae), Labcorp
Classification: Benign for Dilated cardiomyopathy 1G; Autosomal recessive limb-girdle muscular dystrophy type 2J. Last evaluated: 2026-02-04. Review status: criteria provided, single submitter. Criteria: Invitae Variant Classification Sherloc (09022015). Collection method: clinical testing. Allele origin: germline.

Molecular Diagnostic Laboratory for Inherited Cardiovascular Disease, Montreal Heart Institute
Classification: Benign. Last evaluated: 2025-04-09. Review status: criteria provided, single submitter. Criteria: ACMG Guidelines, 2015. Collection method: clinical testing. Allele origin: germline. Affected: no.

Blueprint Genetics
Classification: Benign. Last evaluated: 2024-11-26. Review status: criteria provided, single submitter. Criteria: ACMG Guidelines, 2015. Collection method: clinical testing. Allele origin: germline.

Genetic Services Laboratory, University of Chicago
Classification: Benign. Last evaluated: 2021-12-14. Review status: criteria provided, single submitter. Criteria: ACMG Guidelines, 2015. Collection method: clinical testing. Allele origin: germline. Affected: no.

Genome-Nilou Lab
Classification: Benign for Autosomal recessive limb-girdle muscular dystrophy type 2J. Last evaluated: 2021-09-10. Review status: criteria provided, single submitter. Criteria: ACMG Guidelines, 2015. Collection method: clinical testing. Allele origin: germline. Affected: no.

Genome-Nilou Lab
Classification: Benign for Myopathy, myofibrillar, 9, with early respiratory failure. Last evaluated: 2021-09-10. Review status: criteria provided, single submitter. Criteria: ACMG Guidelines, 2015. Collection method: clinical testing. Allele origin: germline. Affected: no.

Genome-Nilou Lab
Classification: Benign for Early-onset myopathy with fatal cardiomyopathy. Last evaluated: 2021-09-10. Review status: criteria provided, single submitter. Criteria: ACMG Guidelines, 2015. Collection method: clinical testing. Allele origin: germline. Affected: no.

Genome-Nilou Lab
Classification: Benign for Tibial muscular dystrophy. Last evaluated: 2021-09-10. Review status: criteria provided, single submitter. Criteria: ACMG Guidelines, 2015. Collection method: clinical testing. Allele origin: germline. Affected: no.

Women's Health and Genetics/Laboratory Corporation of America, LabCorp
Classification: Likely benign. Last evaluated: 2020-11-02. Review status: criteria provided, single submitter. Criteria: LabCorp Variant Classification Summary - May 2015. Collection method: clinical testing. Allele origin: germline.

Athena Diagnostics
Classification: Benign. Last evaluated: 2018-12-17. Review status: criteria provided, single submitter. Criteria: Athena Diagnostics Criteria. Collection method: clinical testing. Allele origin: germline.

Illumina Laboratory Services, Illumina
Classification: Benign for Autosomal recessive limb-girdle muscular dystrophy type 2J. Last evaluated: 2018-01-12. Review status: criteria provided, single submitter. Criteria: ICSL Variant Classification Criteria 13 December 2019. Collection method: clinical testing. Allele origin: germline.
Comment: This variant was observed in the ICSL laboratory as part of a predisposition screen in an ostensibly healthy population. It had not been previously curated by ICSL or reported in the Human Gene Mutation Database (HGMD: prior to June 1st, 2018), and was therefore a candidate for classification through an automated scoring system. Utilizing variant allele frequency, disease prevalence and penetrance estimates, and inheritance mode, an automated score was calculated to assess if this variant is too frequent to cause the disease. Based on the score and internal cut-off values, a variant classified as benign is not then subjected to further curation. The score for this variant resulted in a classification of benign for this disease.

Illumina Laboratory Services, Illumina
Classification: Benign for Early-onset myopathy with fatal cardiomyopathy. Last evaluated: 2018-01-12. Review status: criteria provided, single submitter. Criteria: ICSL Variant Classification Criteria 13 December 2019. Collection method: clinical testing. Allele origin: germline.
Comment: the same text as in the submission from Illumina Laboratory Services, Illumina above.

Illumina Laboratory Services, Illumina
Classification: Likely benign for Dilated cardiomyopathy 1G. Last evaluated: 2018-01-12. Review status: criteria provided, single submitter. Criteria: ICSL Variant Classification Criteria 13 December 2019. Collection method: clinical testing. Allele origin: germline.
Comment: This variant was observed in the ICSL laboratory as part of a predisposition screen in an ostensibly healthy population. It had not been previously curated by ICSL or reported in the Human Gene Mutation Database (HGMD: prior to June 1st, 2018), and was therefore a candidate for classification through an automated scoring system. Utilizing variant allele frequency, disease prevalence and penetrance estimates, and inheritance mode, an automated score was calculated to assess if this variant is too frequent to cause the disease. Based on the score and internal cut-off values, a variant classified as likely benign is not then subjected to further curation. The score for this variant resulted in a classification of likely benign for this disease.

Illumina Laboratory Services, Illumina
Classification: Benign for Tibial muscular dystrophy. Last evaluated: 2018-01-12. Review status: criteria provided, single submitter. Criteria: ICSL Variant Classification Criteria 13 December 2019. Collection method: clinical testing. Allele origin: germline.
Comment: the same text as in the submission from Illumina Laboratory Services, Illumina above.

Illumina Laboratory Services, Illumina
Classification: Benign for Myopathy, myofibrillar, 9, with early respiratory failure. Last evaluated: 2018-01-12. Review status: criteria provided, single submitter. Criteria: ICSL Variant Classification Criteria 13 December 2019. Collection method: clinical testing. Allele origin: germline.
Comment: the same text as in the submission from Illumina Laboratory Services, Illumina above.

Mayo Clinic Laboratories, Mayo Clinic
Classification: Benign. Last evaluated: 2018-01-12. Review status: criteria provided, single submitter. Criteria: ACMG Guidelines, 2015. Collection method: clinical testing. Allele origin: germline. Observed: 187 variant alleles.

PreventionGenetics, part of Exact Sciences
Classification: Benign. Last evaluated: 2016-02-17. Review status: criteria provided, single submitter. Criteria: ACMG Guidelines, 2015. Collection method: clinical testing. Allele origin: germline.

Eurofins Ntd Llc (ga)
Classification: Benign. Last evaluated: 2013-10-21. Review status: criteria provided, single submitter. Criteria: EGL Classification Definitions 2015. Collection method: clinical testing. Allele origin: germline. Observed: 2 variant alleles, 2 heterozygotes.

Biesecker Lab/Clinical Genomics Section, National Institutes of Health
Classification: Benign. Last evaluated: 2013-06-24. Review status: criteria provided, single submitter. Criteria: Ng et al. (Circ Cardiovasc Genet. 2013). Collection method: research. Allele origin: unknown. Observed: 59 variant alleles. Study: ClinSeq.
Comment: The study set was not selected for affection status in relation to any cancer. Pathogenicity categories were based on literature curation. See Pubmed ID:23861362 for details.

Medical sequencing

Ambry Genetics
Classification: Benign for Cardiovascular phenotype. Last evaluated: 2013-01-23. Review status: criteria provided, single submitter. Criteria: Ambry Autosomal Dominant and X-Linked criteria (10/2015). Collection method: clinical testing. Allele origin: germline. Observed: 1 variant allele.

GeneDx
Classification: Benign. Last evaluated: 2012-11-07. Review status: criteria provided, single submitter. Criteria: GeneDx Variant Classification (06012015). Collection method: clinical testing. Allele origin: germline. Affected: yes.
Comment: This variant is considered likely benign or benign based on one or more of the following criteria: it is a conservative change, it occurs at a poorly conserved position in the protein, it is predicted to be benign by multiple in silico algorithms, and/or has population frequency not consistent with disease.

Laboratory for Molecular Medicine, Mass General Brigham Personalized Medicine
Classification: Benign. Last evaluated: 2012-04-26. Review status: criteria provided, single submitter. Criteria: LMM Criteria. Collection method: clinical testing. Allele origin: germline. Observed: 123 variant alleles.
Comment: Glu32492Asp in exon 307 of TTN: This variant is not expected to have clinical si gnificance because it has been identified in 4.4% (295/6662) of European America n chromosomes from a broad population by the NHLBI Exome Sequencing Project (rs56308529).

Breakthrough Genomics
Classification: Likely benign. Review status: criteria provided, single submitter. Criteria: ACMG Guidelines, 2015. Collection method: not provided. Allele origin: germline. Inheritance: Autosomal recessive inheritance. Affected: yes.

Clinical Genetics DNA and cytogenetics Diagnostics Lab, Erasmus MC, Erasmus Medical Center
Classification: Benign. Review status: no assertion criteria provided. Collection method: clinical testing. Allele origin: germline. Affected: yes. Study: VKGL Data-share Consensus. Not counted in ClinVar's aggregate classification.

Clinical Genetics, Academic Medical Center
Classification: Benign. Review status: no assertion criteria provided. Collection method: clinical testing. Allele origin: germline. Affected: yes. Study: VKGL Data-share Consensus. Not counted in ClinVar's aggregate classification.

Genome Diagnostics Laboratory, University Medical Center Utrecht
Classification: Likely benign. Review status: no assertion criteria provided. Collection method: clinical testing. Allele origin: germline. Affected: yes. Study: VKGL Data-share Consensus. Not counted in ClinVar's aggregate classification.

Joint Genome Diagnostic Labs from Nijmegen and Maastricht, Radboudumc and MUMC+
Classification: Benign. Review status: no assertion criteria provided. Collection method: clinical testing. Allele origin: germline. Affected: yes. Study: VKGL Data-share Consensus. Not counted in ClinVar's aggregate classification.

Laboratory of Diagnostic Genome Analysis, Leiden University Medical Center (LUMC)
Classification: Benign. Review status: no assertion criteria provided. Collection method: clinical testing. Allele origin: germline. Affected: yes. Study: VKGL Data-share Consensus. Not counted in ClinVar's aggregate classification.